The following is an entry in ClinVar:

ClinVar aggregate classification (germline): Likely benign (1 of 4 stars; one submission).

gnomAD v4.1: 35 of 1,570,682 alleles (0.0022%); highest among the groups gnomAD compares: Non-Finnish European, 0.003%; no homozygotes.

Submission:

CeGaT Center for Human Genetics Tuebingen
Classification: Likely benign. Last evaluated: 2024-12-01. Review status: criteria provided, single submitter. Criteria: CeGaT Center For Human Genetics Tuebingen Variant Classification Criteria Version 2. Collection method: clinical testing. Allele origin: germline. Affected: yes. Observed: 1 variant allele.
Comment: NEMF: BP4, BP7

NM_004713.6(NEMF):c.1431T>C (p.Tyr477=)

Gene: NEMF (nuclear export mediator factor; minus strand). Cytogenetic location: 14q21.3.
Variant type: single nucleotide variant.
Coding change: c.1431T>C on transcript NM_004713.6 (MANE Select); coding-DNA position 1431, T replaced by C.
Protein change: p.Tyr477=; no amino-acid change (tyrosine 477 retained).
Molecular consequence: synonymous variant.
Genome position (GRCh38, 1-based): chr14:49,828,348, A>G on the plus strand (T>C on the coding strand, the complement: NEMF is on the minus strand). VCF-style: chr14-49828348-A-G. GRCh37 (hg19) VCF-style: chr14-50295066-A-G.
Other names: c.1431T>C, p.Tyr477= (NM_001301732.3).
Identifiers: ClinVar variation 3771895 (VCV003771895.13).